The following is an entry in ClinVar:

NM_033087.4(ALG2):c.1064A>G (p.His355Arg)

Gene: ALG2 (ALG2 alpha-1,3/1,6-mannosyltransferase; minus strand). Cytogenetic location: 9q22.33.
Variant type: single nucleotide variant.
Coding change: c.1064A>G on transcript NM_033087.4 (MANE Select); coding-DNA position 1064, A replaced by G.
Protein change: p.His355Arg; replaces histidine 355 with arginine.
Molecular consequence: missense variant. On other transcripts: non-coding transcript variant (1).
Genome position (GRCh38, 1-based): chr9:99,218,121, T>C on the plus strand (A>G on the coding strand, the complement: ALG2 is on the minus strand). VCF-style: chr9-99218121-T-C. GRCh37 (hg19) VCF-style: chr9-101980403-T-C.
Other names: short protein forms H355R.
Identifiers: ClinVar variation 1031029 (VCV001031029.1), dbSNP rs1246812091, ClinGen allele CA374226066.
Genomic context (GRCh38, chr9:99,218,121, plus strand): 5'-TTTTCTATTGCTTCTGAGAAGTGCACCGGGTCAGGCTCACACAGAAACCCTGTGACACTG[T>C]GGTCAATGGACTCCAAGGGTCCACCCGAATTAACAGCAATGACTGGGCACTGCATGTACA-3'
Protein context (NP_149078.1, residues 345-365): NSGGPLESID[His355Arg]SVTGFLCEPD

ClinVar aggregate classification (germline): Uncertain significance (1 of 4 stars; one submission).

Conditions:
Congenital disorder of glycosylation, type Ii. Also called: ALG2-CDG; CDG Ii; ALG2-congenital disorder of glycosylation. Identifiers: Orphanet 79326, MedGen C1842836, MONDO:0011933, OMIM 607906.

Allele frequency attached by ClinVar (database versions not stated): gnomAD exomes below 0.00001.
gnomAD v4.1: 1 of 1,611,884 alleles (0.000062%); highest among the groups gnomAD compares: South Asian, 0.0011%; no homozygotes.

Submission:

Baylor Genetics
Classification: Uncertain significance for Congenital disorder of glycosylation, type Ii. Last evaluated: 2020-04-24. Review status: criteria provided, single submitter. Criteria: ACMG Guidelines, 2015. Collection method: clinical testing. Allele origin: unknown. Affected: yes.
Comment: This variant was determined to be of uncertain significance according to ACMG Guidelines, 2015 [PMID:25741868].